The following is an entry in ClinVar:

NM_001122955.4(BSCL2):c.445C>G (p.Pro149Ala)

Genes: BSCL2 (BSCL2 lipid droplet biogenesis associated, seipin; minus strand), HNRNPUL2-BSCL2 (HNRNPUL2-BSCL2 readthrough (NMD candidate); minus strand). Cytogenetic location: 11q12.3.
Variant type: single nucleotide variant.
Coding change: c.445C>G on transcript NM_001122955.4 (MANE Select); coding-DNA position 445, C replaced by G.
Protein change: p.Pro149Ala; replaces proline 149 with alanine.
Molecular consequence: missense variant. On other transcripts: non-coding transcript variant (1).
Genome position (GRCh38, 1-based): chr11:62,702,509, G>C on the plus strand (C>G on the coding strand, the complement: BSCL2 is on the minus strand). VCF-style: chr11-62702509-G-C. GRCh37 (hg19) VCF-style: chr11-62469981-G-C.
Other names: c.253C>G, p.Pro85Ala (NM_001130702.2, NM_032667.6); c.445C>G, p.Pro149Ala (NM_001386027.1, NM_001386028.1); short protein forms P149A, P85A.
Identifiers: ClinVar variation 451024 (VCV000451024.3), dbSNP rs1554985014, ClinGen allele CA380968484.

ClinVar aggregate classification (germline): Uncertain significance (1 of 4 stars; one submission).

Submission:

GeneDx
Classification: Uncertain significance. Last evaluated: 2025-11-14. Review status: criteria provided, single submitter. Criteria: GeneDx Variant Classification Process June 2021. Collection method: clinical testing. Allele origin: germline. Affected: yes.
Comment: Not observed at significant frequency in large population cohorts (gnomAD); In silico analysis supports that this missense variant has a deleterious effect on protein structure/function; Reported previously as a variant of uncertain significance in an individual with seizures; however, detailed clinical information and segregation studies were note reported (PMID: 37541188); This variant is associated with the following publications: (PMID: 37541188)